The following is an entry in ClinVar:

NM_001166108.2(PALLD):c.2312G>A (p.Arg771Lys)

Genes: CBR4 (carbonyl reductase 4; minus strand), PALLD (palladin, cytoskeletal associated protein; plus strand). Cytogenetic location: 4q32.3.
Variant type: single nucleotide variant.
Coding change: c.2312G>A on transcript NM_001166108.2 (MANE Select); coding-DNA position 2312, G replaced by A.
Protein change: p.Arg771Lys; replaces arginine 771 with lysine.
Molecular consequence: missense variant.
Genome position (GRCh38, 1-based): chr4:168,898,554, G>A. VCF-style: chr4-168898554-G-A. GRCh37 (hg19) VCF-style: chr4-169819705-G-A.
Other names: c.1115G>A, p.Arg372Lys (NM_001166109.2); c.800G>A, p.Arg267Lys (NM_001166110.2); c.140G>A, p.Arg47Lys (NM_001367567.1, NM_001367569.1); c.191G>A, p.Arg64Lys (NM_001367568.1, NM_001367570.1); c.2261G>A, p.Arg754Lys (NM_016081.4); short protein forms R267K, R754K, R372K, R771K, R47K, R64K.
Identifiers: ClinVar variation 216540 (VCV000216540.10), dbSNP rs201707558, ClinGen allele CA338969.

ClinVar aggregate classification (germline): Uncertain significance. Review status: criteria provided, multiple submitters, no conflicts (2 of 4 stars). 2 submissions from 2 submitters: Uncertain significance (2). Last evaluated 2024-12-20.

Conditions:
Pancreatic adenocarcinoma. Identifiers: MedGen C0281361, MONDO:0006047, HP:0006725.

Allele frequency attached by ClinVar (database versions not stated): TOPMed below 0.00001; ExAC 0.00001; gnomAD 0.00001; gnomAD exomes 0.00002 and 0.00003; 1000 Genomes Project 30x 0.00016; 1000 Genomes Project 0.00020.
gnomAD v4.1: 47 of 1,613,682 alleles (0.0029%); highest among the groups gnomAD compares: Middle Eastern, 0.049%; no homozygotes.

Submissions (2):

Ambry Genetics
Classification: Uncertain significance. Last evaluated: 2024-12-20. Review status: criteria provided, single submitter. Criteria: Ambry Variant Classification Scheme 2023. Collection method: clinical testing. Allele origin: germline.
Comment: The p.R267K variant (also known as c.800G>A), located in coding exon 4 of the PALLD gene, results from a G to A substitution at nucleotide position 800. The arginine at codon 267 is replaced by lysine, an amino acid with highly similar properties. This amino acid position is highly conserved in available vertebrate species. In addition, the in silico prediction for this alteration is inconclusive. The evidence for this gene-disease relationship is limited; therefore, the clinical significance of this alteration is unclear.

Labcorp Genetics (formerly Invitae), Labcorp
Classification: Uncertain significance for Pancreatic adenocarcinoma. Last evaluated: 2024-11-26. Review status: criteria provided, single submitter. Criteria: Invitae Variant Classification Sherloc (09022015). Collection method: clinical testing. Allele origin: germline.
Comment: This sequence change replaces arginine, which is basic and polar, with lysine, which is basic and polar, at codon 267 of the PALLD protein (p.Arg267Lys). This variant is present in population databases (rs201707558, gnomAD 0.003%). This variant has not been reported in the literature in individuals affected with PALLD-related conditions. ClinVar contains an entry for this variant (Variation ID: 216540). An algorithm developed to predict the effect of missense changes on protein structure and function (PolyPhen-2) suggests that this variant is likely to be tolerated. In summary, the available evidence is currently insufficient to determine the role of this variant in disease. Therefore, it has been classified as a Variant of Uncertain Significance.